The following is an entry in ClinVar:

ClinVar aggregate classification (germline): Conflicting classifications of pathogenicity. Review status: criteria provided, conflicting classifications (1 of 4 stars). 2 submissions from 2 submitters: Uncertain significance (1); Benign (1). Last evaluated 2022-10-31.

Conditions:
Pallister-Hall syndrome (PHS). Also called: HYPOTHALAMIC HAMARTOBLASTOMA, HYPOPITUITARISM, IMPERFORATE ANUS, AND POSTAXIAL POLYDACTYLY; GLI3-Related Pallister-Hall Syndrome. Identifiers: Orphanet 672, MedGen C0265220, MONDO:0007804, OMIM 146510.
Greig cephalopolysyndactyly syndrome (GCPS). Also called: GLI3-Related Greig Cephalopolysyndactyly Syndrome; POLYSYNDACTYLY WITH PECULIAR SKULL SHAPE; Greig syndrome. Identifiers: Orphanet 380, MedGen C0265306, MONDO:0008287, OMIM 175700.

Allele frequency attached by ClinVar (database versions not stated): gnomAD exomes below 0.00001; TOPMed below 0.00001.
gnomAD v4.1: 2 of 1,614,164 alleles (0.00012%); highest among the groups gnomAD compares: African/African-American, 0.0013%; no homozygotes.

Submissions (2):

Labcorp Genetics (formerly Invitae), Labcorp
Classification: Benign for Pallister-Hall syndrome; Greig cephalopolysyndactyly syndrome. Last evaluated: 2022-10-31. Review status: criteria provided, single submitter. Criteria: Invitae Variant Classification Sherloc (09022015). Collection method: clinical testing. Allele origin: germline.

GeneDx
Classification: Uncertain significance. Last evaluated: 2022-08-22. Review status: criteria provided, single submitter. Criteria: GeneDx Variant Classification Process June 2021. Collection method: clinical testing. Allele origin: germline. Affected: yes.
Comment: Not observed at significant frequency in large population cohorts (gnomAD); In silico analysis supports that this variant does not alter splicing; Has not been previously published as pathogenic or benign to our knowledge

NM_000168.6(GLI3):c.2163C>T (p.Ser721=)

Gene: GLI3 (GLI family zinc finger 3; minus strand). Cytogenetic location: 7p14.1.
Variant type: single nucleotide variant.
Coding change: c.2163C>T on transcript NM_000168.6 (MANE Select); coding-DNA position 2163, C replaced by T.
Protein change: p.Ser721=; no amino-acid change (serine 721 retained).
Molecular consequence: synonymous variant.
Genome position (GRCh38, 1-based): chr7:41,967,864, G>A on the plus strand (C>T on the coding strand, the complement: GLI3 is on the minus strand). VCF-style: chr7-41967864-G-A. GRCh37 (hg19) VCF-style: chr7-42007462-G-A.
Identifiers: ClinVar variation 2430445 (VCV002430445.4), dbSNP rs1398108964, ClinGen allele CA454525124.